The following is an entry in ClinVar:

NM_000466.3(PEX1):c.1587+1_1587+4del

Gene: PEX1 (peroxisomal biogenesis factor 1; minus strand). Cytogenetic location: 7q21.2.
Variant type: Deletion.
Coding change: c.1587+1_1587+4del on transcript NM_000466.3 (MANE Select); the canonical splice donor site of the intron after coding-DNA position 1587 through 4 bases into the intron after coding-DNA position 1587, 4 bases deleted (GTAA; older notation c.1587+1_1587+4delGTAA).
Molecular consequence: splice donor variant.
Genome position (GRCh38, 1-based): chr7:92,510,940-92,510,943, TTAC deleted on the plus strand (GTAA on the coding strand, the reverse complement: PEX1 is on the minus strand); deleting any 4 consecutive bases within chr7:92,510,940-92,510,945 gives the same sequence; the c. name uses the placement nearest the transcript's 3' end. VCF-style (leftmost placement, unchanged base first): chr7-92510939-ATTAC-A. GRCh37 (hg19) VCF-style: chr7-92140253-ATTAC-A.
Other names: c.1587+1_1587+4del (NM_001282677.2); c.963+1_963+4del (NM_001282678.2).
Identifiers: ClinVar variation 4818381 (VCV004818381.1).

ClinVar aggregate classification (germline): Likely pathogenic (1 of 4 stars; one submission).

Conditions:
Zellweger spectrum disorders (ZS). Also called: Zellweger Spectrum Disorder (ZSD); Zellweger syndrome; Zellweger Spectrum Disorder; Zellweger Spectrum. Identifiers: Orphanet 912, MedGen C0043459, MONDO:0019609.

Submission:

Natera, Inc.
Classification: Likely pathogenic for Zellweger syndrome. Last evaluated: 2024-11-18. Review status: criteria provided, single submitter. Criteria: Natera Variant Classification Schema (03/2026). Collection method: clinical testing. Allele origin: germline.
Comment: The c.1587+1_1587+4del variant in PEX1 is a canonical splice donor site variant predicted to affect pre-mRNA splicing, which may result in an abnormal transcript and altered protein product. This variant is expected to result in nonsense mediated decay, truncation, or a dysfunctional protein product. This variant is rare in the general population with a frequency below the threshold expected for the associated phenotype(s). Given the available evidence, this variant is classified as Likely Pathogenic.